The following continues an entry in ClinVar:

NM_000038.6(APC):c.426_427del (p.Leu143fs)

Gene: APC. ClinVar aggregate classification (germline): Pathogenic. Pathogenic (13).

Submissions 11 to 15 of 15:

Women's Health and Genetics/Laboratory Corporation of America, LabCorp
Classification: Pathogenic for Familial adenomatous polyposis. Last evaluated: 2018-05-01. Review status: criteria provided, single submitter. Criteria: LabCorp Variant Classification Summary - May 2015. Collection method: clinical testing. Allele origin: germline.
Comment: Variant summary: APC c.426_427delAT (p.Leu143AlafsX4) results in a premature termination codon, predicted to cause a truncation of the encoded protein or absence of the protein due to nonsense mediated decay, which are commonly known mechanisms for disease. The variant was absent in 119962 control chromosomes. c.426_427delAT has been reported in the literature as an American founder mutation in several large kindreds with Familial Adenomatous Polyposis. Five clinical diagnostic laboratories have submitted clinical-significance assessments for this variant to ClinVar after 2014 without evidence for independent evaluation and all classified the variant as pathogenic. Based on the evidence outlined above, the variant was classified as pathogenic.

ARUP Laboratories, Molecular Genetics and Genomics, ARUP Laboratories
Classification: Pathogenic. Last evaluated: 2017-02-08. Review status: criteria provided, single submitter. Criteria: ARUP Molecular Germline Variant Investigation Process. Collection method: clinical testing. Allele origin: germline.

GeneDx
Classification: Pathogenic. Last evaluated: 2016-12-27. Review status: criteria provided, single submitter. Criteria: GeneDx Variant Classification (06012015). Collection method: clinical testing. Allele origin: germline. Affected: yes.
Comment: This deletion of 2 nucleotides in APC is denoted c.426_427delAT at the cDNA level and p.Leu143AlafsX4 (L143AfsX4) at the protein level. The normal sequence, with the bases that are deleted in braces, is gGTC{AT}TGCT, where the capital letters are exonic and lowercase letter is intronic. The deletion causes a frameshift, which changes a Leucine to an Alanine at codon 143, and creates a premature stop codon at position 4 of the new reading frame. This variant is predicted to cause loss of normal protein function through either protein truncation or nonsense-mediated mRNA decay. APC c.426_427delAT has been observed in association with classic or attenuated Familial Adenomatous Polyposis and has been described as an American founder pathogenic variant (Spirio 1993, Friedl 2005, Neklason 2008). Based on the currently available evidence, we consider this variant to be pathogenic.

Pathway Genomics
Classification: Pathogenic for Adenomatous polyposis coli. Last evaluated: 2014-07-24. Review status: no assertion criteria provided. Collection method: clinical testing. Allele origin: germline. Not counted in ClinVar's aggregate classification.

Department of Pathology and Laboratory Medicine, Sinai Health System
Classification: Pathogenic for Carcinoma of colon. Review status: no assertion criteria provided. Collection method: clinical testing. Allele origin: unknown. Affected: yes. Observed: 1 variant allele. Study: The Canadian Open Genetics Repository (COGR). Not counted in ClinVar's aggregate classification.
Comment: The APC p.Leu143Alafs*4 variant was identified in the literature in 10 of 2606 chromosomes (frequency 0.004) from individuals with familial adenomatous polyposis (Castellsague 2010, Friedl 2005, Spirio 1993, Trufant 2012). This variant was also identified in the HGMD and InSIGHT Colon Cancer databases. It has been shown to segregate with disease (Nekalson 2008 18063416, Spirio 1993), has and is associated with an attenuated APC phenotype (Castellsague 2010, Nekalson 2008, Trufant 2012). The p.Leu143Alafs*4 variant is predicted to cause a frameshift, which alters the protein's amino acid sequence beginning at codon 143 and leads to a premature stop codon 3 codons downstream. This alteration would typically be predicted to result in a truncated or absent protein and loss of function; however, two studies have demonstrated that for APC mutations closer to the 5â€šÃ„Ã´ terminus, an internal ribosome entry site is utilized to initiate translation at codon 184, resulting in a partially functional N-terminally truncated protein, which results in an attenuated phenotype (Heppner Goss 2002, Trufant 2012). In summary, based on the above information, this variant is classified as pathogenic.

Literature cited by the submitters: PubMed 17963004 (cited by Labcorp Genetics (formerly Invitae), Labcorp); PubMed 20685668 (cited by Labcorp Genetics (formerly Invitae), Labcorp); PubMed 8252630 (cited by 5 submitters); PubMed 11960572 (cited by 3 submitters); PubMed 15300576 (cited by 6 submitters); PubMed 18063416 (cited by 6 submitters); PubMed 22150579 (cited by 5 submitters); PubMed 23159591 (cited by 5 submitters); PubMed 8625067 (cited by 5 submitters); PubMed 20434453 (cited by 4 submitters); PubMed 22809634 (cited by 4 submitters); PubMed 14734220 (cited by Quest Diagnostics Nichols Institute San Juan Capistrano and Mayo Clinic Laboratories, Mayo Clinic); PubMed 26681312 (cited by 3 submitters); PubMed 31520998 (cited by Quest Diagnostics Nichols Institute San Juan Capistrano); PubMed 37943618 (cited by Quest Diagnostics Nichols Institute San Juan Capistrano); PubMed 37542411 (cited by Quest Diagnostics Nichols Institute San Juan Capistrano); PubMed 20223039 (cited by All of Us Research Program, National Institutes of Health); PubMed 21970370 (cited by Women's Health and Genetics/Laboratory Corporation of America, LabCorp).